The following is an entry in ClinVar:

ClinVar aggregate classification (germline): Uncertain significance (1 of 4 stars; one submission).

Conditions:
Gorlin syndrome. Also called: Nevoid Basal Cell Carcinoma Syndrome; Basal cell nevus syndrome. Identifiers: Orphanet 377, MedGen C0004779, MONDO:0007187.

Submission:

Labcorp Genetics (formerly Invitae), Labcorp
Classification: Uncertain significance for Gorlin syndrome. Last evaluated: 2020-09-09. Review status: criteria provided, single submitter. Criteria: Invitae Variant Classification Sherloc (09022015). Collection method: clinical testing. Allele origin: germline.
Comment: Advanced modeling of protein sequence and biophysical properties (such as structural, functional, and spatial information, amino acid conservation, physicochemical variation, residue mobility, and thermodynamic stability) performed at Invitae indicates that this missense variant is not expected to disrupt PTCH1 protein function. In summary, the available evidence is currently insufficient to determine the role of this variant in disease. Therefore, it has been classified as a Variant of Uncertain Significance. This variant has not been reported in the literature in individuals with PTCH1-related conditions. This variant is not present in population databases (ExAC no frequency). This sequence change replaces glutamic acid with aspartic acid at codon 1242 of the PTCH1 protein (p.Glu1242Asp). The glutamic acid residue is weakly conserved and there is a small physicochemical difference between glutamic acid and aspartic acid.

NM_000264.5(PTCH1):c.3726G>C (p.Glu1242Asp)

Gene: PTCH1 (patched 1; minus strand). Cytogenetic location: 9q22.32.
Variant type: single nucleotide variant.
Coding change: c.3726G>C on transcript NM_000264.5 (MANE Select); coding-DNA position 3726, G replaced by C.
Protein change: p.Glu1242Asp; replaces glutamic acid 1242 with aspartic acid.
Molecular consequence: missense variant. On other transcripts: non-coding transcript variant (1).
Genome position (GRCh38, 1-based): chr9:95,449,147, C>G on the plus strand (G>C on the coding strand, the complement: PTCH1 is on the minus strand). VCF-style: chr9-95449147-C-G. GRCh37 (hg19) VCF-style: chr9-98211429-C-G.
Other names: c.3528G>C, p.Glu1176Asp (NM_001083602.3); c.3723G>C, p.Glu1241Asp (NM_001083603.3); c.3273G>C, p.Glu1091Asp (NM_001083604.3, NM_001083605.3, NM_001083606.3 and 1 more transcripts); c.3570G>C, p.Glu1190Asp (NM_001354918.2); short protein forms E1176D, E1190D, E1241D, E1091D, E1242D.
Identifiers: ClinVar variation 1043221 (VCV001043221.9), dbSNP rs1838214724, ClinGen allele CA374111059.